The following is an entry in ClinVar:

NM_030632.3(ASXL3):c.3757C>A (p.Pro1253Thr)

Gene: ASXL3 (ASXL transcriptional regulator 3; plus strand). Cytogenetic location: 18q12.1.
Variant type: single nucleotide variant.
Coding change: c.3757C>A on transcript NM_030632.3 (MANE Select); coding-DNA position 3757, C replaced by A.
Protein change: p.Pro1253Thr; replaces proline 1253 with threonine.
Molecular consequence: missense variant.
Genome position (GRCh38, 1-based): chr18:33,743,605, C>A. VCF-style: chr18-33743605-C-A. GRCh37 (hg19) VCF-style: chr18-31323569-C-A.
Other names: short protein forms P1253T.
Identifiers: ClinVar variation 3657342 (VCV003657342.2).

ClinVar aggregate classification (germline): Uncertain significance (1 of 4 stars; one submission).

Submission:

Labcorp Genetics (formerly Invitae), Labcorp
Classification: Uncertain significance. Last evaluated: 2024-06-22. Review status: criteria provided, single submitter. Criteria: Invitae Variant Classification Sherloc (09022015). Collection method: clinical testing. Allele origin: germline.
Comment: This sequence change replaces proline, which is neutral and non-polar, with threonine, which is neutral and polar, at codon 1253 of the ASXL3 protein (p.Pro1253Thr). This variant is not present in population databases (gnomAD no frequency). This variant has not been reported in the literature in individuals affected with ASXL3-related conditions. Advanced modeling of protein sequence and biophysical properties (such as structural, functional, and spatial information, amino acid conservation, physicochemical variation, residue mobility, and thermodynamic stability) performed at Invitae indicates that this missense variant is not expected to disrupt ASXL3 protein function with a negative predictive value of 80%. In summary, the available evidence is currently insufficient to determine the role of this variant in disease. Therefore, it has been classified as a Variant of Uncertain Significance.